The following is an entry in ClinVar:

ClinVar aggregate classification (germline): Pathogenic/Likely pathogenic. Review status: criteria provided, multiple submitters, no conflicts (2 of 4 stars). 2 submissions from 2 submitters: Pathogenic (1); Likely pathogenic (1). Last evaluated 2024-05-13.

Conditions:
Interstitial lung disease due to ABCA3 deficiency. Also called: PULMONARY ALVEOLAR PROTEINOSIS, CONGENITAL, 3. Identifiers: Orphanet 440402, MedGen C1970456, MONDO:0012582, OMIM 610921.

Submissions (2):

Fulgent Genetics
Classification: Likely pathogenic for Interstitial lung disease due to ABCA3 deficiency. Last evaluated: 2024-05-13. Review status: criteria provided, single submitter. Criteria: ACMG Guidelines, 2015. Collection method: clinical testing. Allele origin: germline.

Labcorp Genetics (formerly Invitae), Labcorp
Classification: Pathogenic. Last evaluated: 2023-05-07. Review status: criteria provided, single submitter. Criteria: Invitae Variant Classification Sherloc (09022015). Collection method: clinical testing. Allele origin: germline.
Comment: For these reasons, this variant has been classified as Pathogenic. This sequence change creates a premature translational stop signal (p.Asp731Glufs*31) in the ABCA3 gene. It is expected to result in an absent or disrupted protein product. Loss-of-function variants in ABCA3 are known to be pathogenic (PMID: 27516224). This variant is not present in population databases (gnomAD no frequency). This variant has not been reported in the literature in individuals affected with ABCA3-related conditions.

Literature cited by the submitters: PubMed 27516224 (cited by Labcorp Genetics (formerly Invitae), Labcorp).

NM_001089.3(ABCA3):c.2188_2189dup (p.Asp731fs)

Gene: ABCA3 (ATP binding cassette subfamily A member 3; minus strand). Cytogenetic location: 16p13.3.
Variant type: Duplication.
Coding change: c.2188_2189dup on transcript NM_001089.3 (MANE Select); coding-DNA positions 2188 to 2189, 2 bases duplicated (GG; older notation c.2188_2189dupGG).
Protein change: p.Asp731fs; shifts the reading frame from aspartic acid 731.
Molecular consequence: frameshift variant.
Genome position (GRCh38, 1-based): chr16:2,297,403-2,297,404, CC duplicated on the plus strand (GG on the coding strand, the reverse complement: ABCA3 is on the minus strand); duplicating any 2 consecutive bases within chr16:2,297,403-2,297,405 gives the same sequence; the c. name uses the placement nearest the transcript's 3' end. VCF-style (leftmost placement, unchanged base first): chr16-2297402-T-TCC. GRCh37 (hg19) VCF-style: chr16-2347403-T-TCC.
Other names: short protein forms D731fs.
Identifiers: ClinVar variation 2862508 (VCV002862508.4), dbSNP rs2505639879, ClinGen allele CA2739269972.
Genomic context (GRCh38, chr16:2,297,402, plus strand): 5'-GAGGAACAGCGAGGACCCGCAGCACTGCAGCTCCCCCTTGGCCATGATGGCGATGCGGTC[T>TCC]CCCAGCAGGTCAGCCTCGTCCATGAAGTGGGTGGTCAGCACGATGGTGCGGTCACTTTTC-3'